The following is an entry in ClinVar:

NM_002576.5(PAK1):c.959G>C (p.Arg320Thr)

Gene: PAK1 (p21 (RAC1) activated kinase 1; minus strand). Cytogenetic location: 11q13.5.
Variant type: single nucleotide variant.
Coding change: c.959G>C on transcript NM_002576.5 (MANE Select); coding-DNA position 959, G replaced by C.
Protein change: p.Arg320Thr; replaces arginine 320 with threonine.
Molecular consequence: missense variant. On other transcripts: non-coding transcript variant (2), intron variant (1).
Genome position (GRCh38, 1-based): chr11:77,343,858, C>G on the plus strand (G>C on the coding strand, the complement: PAK1 is on the minus strand). VCF-style: chr11-77343858-C-G. GRCh37 (hg19) VCF-style: chr11-77054903-C-G.
Other names: c.959G>C, p.Arg320Thr (NM_001128620.2, NM_001376268.1, NM_001376269.1 and 23 more transcripts); c.980G>C, p.Arg327Thr (NM_001376272.1); c.950G>C, p.Arg317Thr (NM_001376294.1); c.710G>C, p.Arg237Thr (NM_001376301.1); c.665G>C, p.Arg222Thr (NM_001376302.1, NM_001376304.1, NM_001376305.1); c.671G>C, p.Arg224Thr (NM_001376303.1); c.822-3095G>C (NM_001376295.1); short protein forms R224T, R222T, R237T, R327T, R317T, R320T.
Identifiers: ClinVar variation 2096606 (VCV002096606.4), dbSNP rs906897096, ClinGen allele CA382165270.

ClinVar aggregate classification (germline): Uncertain significance (1 of 4 stars; one submission).

gnomAD v4.1: 3 of 1,613,172 alleles (0.00019%); highest among the groups gnomAD compares: Non-Finnish European, 0.00025%; no homozygotes.

Submission:

Labcorp Genetics (formerly Invitae), Labcorp
Classification: Uncertain significance. Last evaluated: 2022-02-11. Review status: criteria provided, single submitter. Criteria: Invitae Variant Classification Sherloc (09022015). Collection method: clinical testing. Allele origin: germline.
Comment: This variant is not present in population databases (gnomAD no frequency). This sequence change replaces arginine, which is basic and polar, with threonine, which is neutral and polar, at codon 320 of the PAK1 protein (p.Arg320Thr). This variant has not been reported in the literature in individuals affected with PAK1-related conditions. In summary, the available evidence is currently insufficient to determine the role of this variant in disease. Therefore, it has been classified as a Variant of Uncertain Significance. Algorithms developed to predict the effect of missense changes on protein structure and function (SIFT, PolyPhen-2, Align-GVGD) all suggest that this variant is likely to be disruptive.